The following is an entry in ClinVar:

NM_015192.4(PLCB1):c.200G>A (p.Ser67Asn)

Gene: PLCB1 (phospholipase C beta 1; plus strand). Cytogenetic location: 20p12.3.
Variant type: single nucleotide variant.
Coding change: c.200G>A on transcript NM_015192.4 (MANE Select); coding-DNA position 200, G replaced by A.
Protein change: p.Ser67Asn; replaces serine 67 with asparagine.
Molecular consequence: missense variant.
Genome position (GRCh38, 1-based): chr20:8,371,404, G>A. VCF-style: chr20-8371404-G-A. GRCh37 (hg19) VCF-style: chr20-8352051-G-A.
Other names: c.200G>A, p.Ser67Asn (NM_182734.3); short protein forms S67N.
Identifiers: ClinVar variation 856318 (VCV000856318.10), dbSNP rs775742325, ClinGen allele CA9759601.

ClinVar aggregate classification (germline): Uncertain significance (1 of 4 stars; one submission).

Conditions:
Developmental and epileptic encephalopathy, 12 (DEE12). Identifiers: MedGen C3150988, MONDO:0013389, OMIM 613722.

Allele frequency attached by ClinVar (database versions not stated): gnomAD exomes below 0.00001; ExAC 0.00001; gnomAD 0.00001; TOPMed 0.00001.
gnomAD v4.1: 5 of 1,613,650 alleles (0.00031%); highest among the groups gnomAD compares: Non-Finnish European, 0.00042%; no homozygotes.

Submission:

Labcorp Genetics (formerly Invitae), Labcorp
Classification: Uncertain significance for Developmental and epileptic encephalopathy, 12. Last evaluated: 2025-06-14. Review status: criteria provided, single submitter. Criteria: Invitae Variant Classification Sherloc (09022015). Collection method: clinical testing. Allele origin: germline.
Comment: This sequence change replaces serine, which is neutral and polar, with asparagine, which is neutral and polar, at codon 67 of the PLCB1 protein (p.Ser67Asn). This variant is present in population databases (rs775742325, gnomAD 0.0009%). This variant has not been reported in the literature in individuals affected with PLCB1-related conditions. ClinVar contains an entry for this variant (Variation ID: 856318). Invitae Evidence Modeling of protein sequence and biophysical properties (such as structural, functional, and spatial information, amino acid conservation, physicochemical variation, residue mobility, and thermodynamic stability) indicates that this missense variant is not expected to disrupt PLCB1 protein function with a negative predictive value of 80%. In summary, the available evidence is currently insufficient to determine the role of this variant in disease. Therefore, it has been classified as a Variant of Uncertain Significance.